The following is an entry in ClinVar:

ClinVar aggregate classification (germline): Benign (1 of 4 stars; one submission).

Conditions:
Hereditary diffuse gastric adenocarcinoma (HDGC). Also called: DIFFUSE GASTRIC AND LOBULAR BREAST CANCER SYNDROME. Identifiers: Orphanet 26106, MedGen C1708349, MONDO:0007648, OMIM 137215.

Submission:

Myriad Genetics, Inc.
Classification: Benign for Hereditary diffuse gastric adenocarcinoma. Last evaluated: 2024-09-23. Review status: criteria provided, single submitter. Criteria: Myriad Autosomal Dominant, Autosomal Recessive and X-Linked Classification Criteria (2023). Collection method: clinical testing. Allele origin: unknown.
Comment: This variant is considered benign. This variant is a silent/synonymous amino acid change and it is not expected to impact splicing.

NM_004360.5(CDH1):c.2403T>C (p.Pro801=)

Gene: CDH1 (cadherin 1; plus strand). Cytogenetic location: 16q22.1.
Variant type: single nucleotide variant.
Coding change: c.2403T>C on transcript NM_004360.5 (MANE Select); coding-DNA position 2403, T replaced by C.
Protein change: p.Pro801=; no amino-acid change (proline 801 retained).
Molecular consequence: synonymous variant.
Genome position (GRCh38, 1-based): chr16:68,829,761, T>C. VCF-style: chr16-68829761-T-C. GRCh37 (hg19) VCF-style: chr16-68863664-T-C.
Other names: c.2220T>C, p.Pro740= (NM_001317184.2); c.855T>C, p.Pro285= (NM_001317185.2); c.438T>C, p.Pro146= (NM_001317186.2).
Identifiers: ClinVar variation 3378471 (VCV003378471.1).